The following is an entry in ClinVar:

NM_052947.4(ALPK2):c.5833G>T (p.Val1945Phe)

Gene: ALPK2 (alpha kinase 2; minus strand). Cytogenetic location: 18q21.31.
Variant type: single nucleotide variant.
Coding change: c.5833G>T on transcript NM_052947.4 (MANE Select); coding-DNA position 5833, G replaced by T.
Protein change: p.Val1945Phe; replaces valine 1945 with phenylalanine.
Molecular consequence: missense variant.
Genome position (GRCh38, 1-based): chr18:58,517,015, C>A on the plus strand (G>T on the coding strand, the complement: ALPK2 is on the minus strand). VCF-style: chr18-58517015-C-A. GRCh37 (hg19) VCF-style: chr18-56184247-C-A.
Other names: short protein forms V1945F.
Identifiers: ClinVar variation 2625972 (VCV002625972.2), dbSNP rs2518862792, ClinGen allele CA402548610.

ClinVar aggregate classification (germline): Uncertain significance (1 of 4 stars; one submission).

Submission:

Ambry Genetics
Classification: Uncertain significance. Last evaluated: 2023-06-21. Review status: criteria provided, single submitter. Criteria: Ambry Variant Classification Scheme 2023. Collection method: clinical testing. Allele origin: germline.
Comment: The p.V1945F variant (also known as c.5833G>T), located in coding exon 8 of the ALPK2 gene, results from a G to T substitution at nucleotide position 5833. The valine at codon 1945 is replaced by phenylalanine, an amino acid with highly similar properties. This amino acid position is conserved. In addition, this alteration is predicted to be tolerated by in silico analysis. Since supporting evidence is limited at this time, the clinical significance of this alteration remains unclear.